The following is an entry in ClinVar:

ClinVar aggregate classification (germline): Likely benign (1 of 4 stars; one submission).

gnomAD v4.1: 12 of 1,612,612 alleles (0.00074%); highest among the groups gnomAD compares: East Asian, 0.0022%; no homozygotes.

Submission:

CeGaT Center for Human Genetics Tuebingen
Classification: Likely benign. Last evaluated: 2026-08-01. Review status: criteria provided, single submitter. Criteria: CeGaT Center For Human Genetics Tuebingen Variant Classification Criteria Version 2. Collection method: clinical testing. Allele origin: germline. Affected: yes. Observed: 1 variant allele.
Comment: IKZF1: BP4, BP7

NM_006060.6(IKZF1):c.867C>G (p.Ser289=)

Gene: IKZF1 (IKAROS family zinc finger 1; plus strand). Cytogenetic location: 7p12.2.
Variant type: single nucleotide variant.
Coding change: c.867C>G on transcript NM_006060.6 (MANE Select); coding-DNA position 867, C replaced by G.
Protein change: p.Ser289=; no amino-acid change (serine 289 retained).
Molecular consequence: synonymous variant.
Genome position (GRCh38, 1-based): chr7:50,399,934, C>G. VCF-style: chr7-50399934-C-G. GRCh37 (hg19) VCF-style: chr7-50467632-C-G.
Other names: c.741C>G, p.Ser247= (NM_001220765.3, NM_001291837.2); c.576C>G, p.Ser192= (NM_001220767.2); c.606C>G, p.Ser202= (NM_001220768.2, NM_001291838.2); c.450C>G, p.Ser150= (NM_001220770.2); c.438C>G, p.Ser146= (NM_001220771.2, NM_001291841.1); c.480C>G, p.Ser160= (NM_001291839.2); c.177C>G, p.Ser59= (NM_001291840.1); c.408C>G, p.Ser136= (NM_001291842.1); and 3 more.
Identifiers: ClinVar variation 5039196 (VCV005039196.1).